The following is an entry in ClinVar:

NM_001182.5(ALDH7A1):c.387A>C (p.Gly129=)

Gene: ALDH7A1 (aldehyde dehydrogenase 7 family member A1; minus strand). Cytogenetic location: 5q23.2.
Variant type: single nucleotide variant.
Coding change: c.387A>C on transcript NM_001182.5 (MANE Select); coding-DNA position 387, A replaced by C.
Protein change: p.Gly129=; no amino-acid change (glycine 129 retained).
Molecular consequence: synonymous variant.
Genome position (GRCh38, 1-based): chr5:126,583,938, T>G on the plus strand (A>C on the coding strand, the complement: ALDH7A1 is on the minus strand). VCF-style: chr5-126583938-T-G. GRCh37 (hg19) VCF-style: chr5-125919630-T-G.
Other names: c.303A>C, p.Gly101= (NM_001201377.2); c.387A>C, p.Gly129= (NM_001202404.2); c.387A>C (NM_001182.4).
Identifiers: ClinVar variation 593724 (VCV000593724.16), dbSNP rs1467521069, ClinGen allele CA446284335.

ClinVar aggregate classification (germline): Conflicting classifications of pathogenicity. Review status: criteria provided, conflicting classifications (1 of 4 stars). 4 submissions from 4 submitters: Uncertain significance (2); Likely benign (1). 1 of the submissions does not count toward it. Last evaluated 2025-02-11.

Conditions:
ALDH7A1-related disorder. Also called: ALDH7A1-related condition.
Pyridoxine-dependent epilepsy (EPEO4). Also called: Pyridoxine-Dependent Epilepsy - ALDH7A1; EPILEPSY, EARLY-ONSET, 4, VITAMIN B6-DEPENDENT; PYRIDOXINE DEPENDENCY WITH SEIZURES; Pyridoxine-Dependent Seizures. Identifiers: Orphanet 3006, MedGen C1849508, MONDO:0009945, OMIM 266100. Disease mechanism: loss of function.

Allele frequency attached by ClinVar (database versions not stated): gnomAD exomes 0.00001; TOPMed 0.00001.
gnomAD v4.1: 10 of 1,613,330 alleles (0.00062%); highest among the groups gnomAD compares: Non-Finnish European, 0.00085%; no homozygotes.

Submissions (4):

GeneDx
Classification: Uncertain significance. Last evaluated: 2025-02-11. Review status: criteria provided, single submitter. Criteria: GeneDx Variant Classification Process June 2021. Collection method: clinical testing. Allele origin: germline. Affected: yes.
Comment: Not observed at significant frequency in large population cohorts (gnomAD); In silico analysis indicates that this variant does not alter splicing; Has not been previously published as pathogenic or benign to our knowledge

Labcorp Genetics (formerly Invitae), Labcorp
Classification: Likely benign for Pyridoxine-dependent epilepsy. Last evaluated: 2024-09-17. Review status: criteria provided, single submitter. Criteria: Invitae Variant Classification Sherloc (09022015). Collection method: clinical testing. Allele origin: germline.

Eurofins Ntd Llc (ga)
Classification: Uncertain significance. Last evaluated: 2017-09-05. Review status: criteria provided, single submitter. Criteria: EGL Classification Definitions 2015. Collection method: clinical testing. Allele origin: germline. Observed: 1 variant allele, 1 heterozygote.

PreventionGenetics, part of Exact Sciences
Classification: Likely benign for ALDH7A1-related condition. Last evaluated: 2019-09-26. Review status: no assertion criteria provided. Collection method: clinical testing. Allele origin: germline. Not counted in ClinVar's aggregate classification.
Comment: This variant is classified as likely benign based on ACMG/AMP sequence variant interpretation guidelines (Richards et al. 2015 PMID: 25741868, with internal and published modifications).